The following is an entry in ClinVar:

ClinVar aggregate classification (germline): Uncertain significance. Review status: criteria provided, multiple submitters, no conflicts (2 of 4 stars). 3 submissions from 3 submitters: Uncertain significance (3). Last evaluated 2025-03-07.

Conditions:
Arrhythmogenic right ventricular dysplasia 9 (ARVD9). Also called: ARRHYTHMOGENIC RIGHT VENTRICULAR DYSPLASIA, FAMILIAL, 9; Arrhythmogenic Right Ventricular Dysplasia/Cardiomyopathy 9. Identifiers: MedGen C1836906, MONDO:0012180, OMIM 609040.

Submissions (3):

Women's Health and Genetics/Laboratory Corporation of America, LabCorp
Classification: Uncertain significance. Last evaluated: 2025-03-07. Review status: criteria provided, single submitter. Criteria: LabCorp Variant Classification Summary - May 2015. Collection method: clinical testing. Allele origin: germline.

Labcorp Genetics (formerly Invitae), Labcorp
Classification: Uncertain significance for Arrhythmogenic right ventricular dysplasia 9. Last evaluated: 2024-10-18. Review status: criteria provided, single submitter. Criteria: Invitae Variant Classification Sherloc (09022015). Collection method: clinical testing. Allele origin: germline.
Comment: This sequence change replaces isoleucine, which is neutral and non-polar, with threonine, which is neutral and polar, at codon 583 of the PKP2 protein (p.Ile583Thr). This variant is not present in population databases (gnomAD no frequency). This variant has not been reported in the literature in individuals affected with PKP2-related conditions. ClinVar contains an entry for this variant (Variation ID: 1310372). An algorithm developed to predict the effect of missense changes on protein structure and function (PolyPhen-2) suggests that this variant is likely to be disruptive. In summary, the available evidence is currently insufficient to determine the role of this variant in disease. Therefore, it has been classified as a Variant of Uncertain Significance.

GeneDx
Classification: Uncertain significance. Last evaluated: 2019-11-11. Review status: criteria provided, single submitter. Criteria: GeneDx Variant Classification Process June 2021. Collection method: clinical testing. Allele origin: germline. Affected: yes.
Comment: Has not been previously published as pathogenic or benign to our knowledge; Not observed in large population cohorts (Lek et al., 2016); In silico analysis, which includes protein predictors and evolutionary conservation, supports a deleterious effect

NM_001005242.3(PKP2):c.1616T>C (p.Ile539Thr)

Gene: PKP2 (plakophilin 2; minus strand). Cytogenetic location: 12p11.21.
Variant type: single nucleotide variant.
Coding change: c.1616T>C on transcript NM_001005242.3 (MANE Select); coding-DNA position 1616, T replaced by C.
Protein change: p.Ile539Thr; replaces isoleucine 539 with threonine.
Molecular consequence: missense variant.
Genome position (GRCh38, 1-based): chr12:32,824,103, A>G on the plus strand (T>C on the coding strand, the complement: PKP2 is on the minus strand). VCF-style: chr12-32824103-A-G. GRCh37 (hg19) VCF-style: chr12-32977037-A-G.
Other names: c.1748T>C, p.Ile583Thr (NM_004572.4); short protein forms I539T, I583T.
Identifiers: ClinVar variation 1310372 (VCV001310372.7), dbSNP rs1956409566, ClinGen allele CA384364829.